The following is an entry in ClinVar:

NM_001814.6(CTSC):c.815G>C (p.Arg272Pro)

Gene: CTSC (cathepsin C; minus strand). Cytogenetic location: 11q14.2.
Variant type: single nucleotide variant.
Coding change: c.815G>C on transcript NM_001814.6 (MANE Select); coding-DNA position 815, G replaced by C.
Protein change: p.Arg272Pro; replaces arginine 272 with proline.
Molecular consequence: missense variant.
Genome position (GRCh38, 1-based): chr11:88,296,207, C>G on the plus strand (G>C on the coding strand, the complement: CTSC is on the minus strand). VCF-style: chr11-88296207-C-G. GRCh37 (hg19) VCF-style: chr11-88029375-C-G.
Other names: short protein forms R272P.
Identifiers: ClinVar variation 548504 (VCV000548504.12), dbSNP rs587777534, ClinGen allele CA6219835.

ClinVar aggregate classification (germline): Pathogenic/Likely pathogenic. Review status: criteria provided, multiple submitters, no conflicts (2 of 4 stars). 5 submissions from 5 submitters: Pathogenic (4); Likely pathogenic (1). Last evaluated 2025-07-30.

Conditions:
Papillon-Lefèvre syndrome (PALS). Also called: Papillon-Lefevre Disease; KERATOSIS PALMOPLANTARIS WITH PERIODONTOPATHIA. Identifiers: Orphanet 678, MedGen C0030360, MONDO:0009490, OMIM 245000.
Periodontitis, aggressive. Identifiers: MedGen C0031106, MONDO:0980757.
Haim-Munk syndrome (HMS). Also called: COCHIN JEWISH DISORDER; KERATOSIS PALMOPLANTARIS WITH PERIODONTOPATHIA AND ONYCHOGRYPOSIS. Identifiers: Orphanet 2342, MedGen C1855627, MONDO:0009491, OMIM 245010.
CTSC-related disorder. Also called: CTSC-related disorders; CTSC-related condition. Identifiers: MedGen CN375926, MONDO:0800465.

Allele frequency attached by ClinVar (database versions not stated): ExAC 0.00001; TOPMed 0.00006.
gnomAD v4.1: 74 of 1,613,820 alleles (0.0046%); highest among the groups gnomAD compares: South Asian, 0.0088%; no homozygotes.

Submissions (5):

Labcorp Genetics (formerly Invitae), Labcorp
Classification: Pathogenic for Haim-Munk syndrome; Periodontitis, aggressive; Papillon-Lefèvre syndrome. Last evaluated: 2025-07-30. Review status: criteria provided, single submitter. Criteria: Invitae Variant Classification Sherloc (09022015). Collection method: clinical testing. Allele origin: germline.
Comment: This sequence change replaces arginine, which is basic and polar, with proline, which is neutral and non-polar, at codon 272 of the CTSC protein (p.Arg272Pro). This variant is present in population databases (rs587777534, gnomAD 0.01%). This missense change has been observed in individuals with Papillon-Lefèvre syndrome (PMID: 10581027, 15585850, 19816003). ClinVar contains an entry for this variant (Variation ID: 548504). Invitae Evidence Modeling of protein sequence and biophysical properties (such as structural, functional, and spatial information, amino acid conservation, physicochemical variation, residue mobility, and thermodynamic stability) indicates that this missense variant is expected to disrupt CTSC protein function with a positive predictive value of 80%. For these reasons, this variant has been classified as Pathogenic.

PreventionGenetics, part of Exact Sciences
Classification: Pathogenic for CTSC-related condition. Last evaluated: 2025-01-03. Review status: criteria provided, single submitter. Criteria: ACMG Guidelines, 2015. Collection method: clinical testing. Allele origin: germline.
Comment: The CTSC c.815G>C variant is predicted to result in the amino acid substitution p.Arg272Pro. This variant has been reported in the homozygous state in individuals with Papillon-Lefèvre syndrome and segregated with disease in families (see, for example, Toomes et al. 1999. PubMed ID: 10581027; Zhang et al. 2001. PubMed ID: 11158173; Kurban et al. 2009. PubMed ID: 19816003). It is reported in 0.0098% of alleles in individuals of South Asian descent in gnomAD. Another missense variant affecting the same amino acid (p.Arg272His) has been reported in individuals with early-onset periodontitis (Hewitt et al. 2004. PubMed ID: 14974080). This variant is interpreted as pathogenic.

Genomic Medicine Center of Excellence, King Faisal Specialist Hospital and Research Centre
Classification: Pathogenic for Papillon-Lefèvre syndrome. Last evaluated: 2024-03-17. Review status: criteria provided, single submitter. Criteria: ACMG Guidelines, 2015. Collection method: research. Allele origin: germline.

Baylor Genetics
Classification: Pathogenic for Papillon-Lefèvre syndrome. Last evaluated: 2020-05-05. Review status: criteria provided, single submitter. Criteria: ACMG Guidelines, 2015. Collection method: clinical testing. Allele origin: unknown. Affected: yes.
Comment: This variant was determined to be pathogenic according to ACMG Guidelines, 2015 [PMID:25741868].

Genomic Research Center, Shahid Beheshti University of Medical Sciences
Classification: Likely pathogenic for Periodontitis, aggressive. Last evaluated: 2018-03-05. Review status: criteria provided, single submitter. Criteria: ACMG Guidelines, 2015. Collection method: clinical testing. Allele origin: inherited. Affected: yes. Observed: 1 variant allele.

Literature cited by the submitters: PubMed 10581027 (cited by Labcorp Genetics (formerly Invitae), Labcorp); PubMed 15585850 (cited by Labcorp Genetics (formerly Invitae), Labcorp); PubMed 19816003 (cited by Labcorp Genetics (formerly Invitae), Labcorp).